The following is an entry in ClinVar:

NM_001377.3(DYNC2H1):c.11581G>T (p.Ala3861Ser)

Gene: DYNC2H1 (dynein cytoplasmic 2 heavy chain 1; plus strand). Cytogenetic location: 11q22.3.
Variant type: single nucleotide variant.
Coding change: c.11581G>T on transcript NM_001377.3 (MANE Select); coding-DNA position 11581, G replaced by T.
Protein change: p.Ala3861Ser; replaces alanine 3861 with serine.
Molecular consequence: missense variant.
Genome position (GRCh38, 1-based): chr11:103,311,965, G>T. VCF-style: chr11-103311965-G-T. GRCh37 (hg19) VCF-style: chr11-103182694-G-T.
Other names: c.11602G>T, p.Ala3868Ser (NM_001080463.2); short protein forms A3861S, A3868S.
Identifiers: ClinVar variation 2044197 (VCV002044197.4), dbSNP rs2496902686, ClinGen allele CA382264524.
Genomic context (GRCh38, chr11:103,311,965, plus strand): 5'-ATGCGTACTTATGAGTCTTGGACTCCTGAGCAAATTAGCAAAAAAGATAATACACATCGA[G>T]CTCATGCTCTCTTCAGTCTTGCATGGTTTCATGCTGCATGTCAAGAAAGAAGAAACTATA-3'
Protein context (NP_001368.2, residues 3851-3871): QISKKDNTHR[Ala3861Ser]HALFSLAWFH

ClinVar aggregate classification (germline): Uncertain significance (1 of 4 stars; one submission).

Conditions:
Jeune thoracic dystrophy. Also called: Jeune syndrome; Infantile thoracic dystrophy; Thoracic pelvic phalangeal dystrophy; Jeune's syndrome; Chondroectodermal dysplasia-like syndrome; Short-rib thoracic dysplasia. Identifiers: Orphanet 474, MedGen C0265275, MONDO:0018770.

Submission:

Labcorp Genetics (formerly Invitae), Labcorp
Classification: Uncertain significance for Jeune thoracic dystrophy. Last evaluated: 2022-09-06. Review status: criteria provided, single submitter. Criteria: Invitae Variant Classification Sherloc (09022015). Collection method: clinical testing. Allele origin: germline.
Comment: In summary, the available evidence is currently insufficient to determine the role of this variant in disease. Therefore, it has been classified as a Variant of Uncertain Significance. Advanced modeling of protein sequence and biophysical properties (such as structural, functional, and spatial information, amino acid conservation, physicochemical variation, residue mobility, and thermodynamic stability) performed at Invitae indicates that this missense variant is not expected to disrupt DYNC2H1 protein function. This variant has not been reported in the literature in individuals affected with DYNC2H1-related conditions. This variant is not present in population databases (gnomAD no frequency). This sequence change replaces alanine, which is neutral and non-polar, with serine, which is neutral and polar, at codon 3868 of the DYNC2H1 protein (p.Ala3868Ser).